The following is an entry in ClinVar:

ClinVar aggregate classification (germline): Benign/Likely benign. Review status: criteria provided, multiple submitters, no conflicts (2 of 4 stars). 7 submissions from 7 submitters: Benign (3); Likely benign (4). Last evaluated 2026-01-19.

Conditions:
ABCA4-related disorder. Also called: ABCA4-related disorders; ABCA4-related condition. Identifiers: MedGen CN239167.
Retinal dystrophy. Also called: Inherited retinal dystrophy. Identifiers: Orphanet 71862, MedGen C0854723, MeSH D058499, MONDO:0019118, HP:0000556.

Allele frequency attached by ClinVar (database versions not stated): 1000 Genomes Project 30x 0.00281; 1000 Genomes Project 0.00319.
gnomAD v4.1: 787 of 1,614,118 alleles (0.049%); highest among the groups gnomAD compares: East Asian, 1.6%; 6 homozygotes.

Submissions (7):

Labcorp Genetics (formerly Invitae), Labcorp
Classification: Benign. Last evaluated: 2026-01-19. Review status: criteria provided, single submitter. Criteria: Invitae Variant Classification Sherloc (09022015). Collection method: clinical testing. Allele origin: germline.

Blueprint Genetics
Classification: Likely benign. Last evaluated: 2024-11-20. Review status: criteria provided, single submitter. Criteria: ACMG Guidelines, 2015. Collection method: clinical testing. Allele origin: germline.

CeGaT Center for Human Genetics Tuebingen
Classification: Likely benign. Last evaluated: 2024-02-01. Review status: criteria provided, single submitter. Criteria: CeGaT Center For Human Genetics Tuebingen Variant Classification Criteria Version 2. Collection method: clinical testing. Allele origin: germline. Affected: yes. Observed: 1 variant allele.
Comment: ABCA4: BP4, BP7, BS1

Dept Of Ophthalmology, Nagoya University
Classification: Benign for Retinal dystrophy. Last evaluated: 2023-10-01. Review status: criteria provided, single submitter. Criteria: Submitter's publication. Collection method: research. Allele origin: germline. Affected: yes.

Illumina Laboratory Services, Illumina
Classification: Likely benign for ABCA4-Related Disorders. Last evaluated: 2017-04-27. Review status: criteria provided, single submitter. Criteria: ICSL Variant Classification Criteria 13 December 2019. Collection method: clinical testing. Allele origin: germline.
Comment: This variant was observed as part of a predisposition screen in an ostensibly healthy population. A literature search was performed for the gene, cDNA change, and amino acid change (where applicable). No publications were found based on this search. Allele frequency data from public databases allowed determination this variant is unlikely to cause disease. Therefore, this variant is classified as likely benign.

Eurofins Ntd Llc (ga)
Classification: Benign. Last evaluated: 2015-08-10. Review status: criteria provided, single submitter. Criteria: EGL Classification Definitions 2015. Collection method: clinical testing. Allele origin: germline. Observed: 1 variant allele, 1 heterozygote.

PreventionGenetics, part of Exact Sciences
Classification: Likely benign. Review status: criteria provided, single submitter. Criteria: ACMG Guidelines, 2015. Collection method: clinical testing. Allele origin: germline.

NM_000350.3(ABCA4):c.4203C>T (p.Pro1401=)

Gene: ABCA4 (ATP binding cassette subfamily A member 4; minus strand). Cytogenetic location: 1p22.1.
Variant type: single nucleotide variant.
Coding change: c.4203C>T on transcript NM_000350.3 (MANE Select); coding-DNA position 4203, C replaced by T.
Protein change: p.Pro1401=; no amino-acid change (proline 1401 retained).
Molecular consequence: synonymous variant.
Genome position (GRCh38, 1-based): chr1:94,031,046, G>A on the plus strand (C>T on the coding strand, the complement: ABCA4 is on the minus strand). VCF-style: chr1-94031046-G-A. GRCh37 (hg19) VCF-style: chr1-94496602-G-A.
Other names: c.3981C>T, p.Pro1327= (NM_001425324.1).
Identifiers: ClinVar variation 255922 (VCV000255922.44), dbSNP rs1801666, ClinGen allele CA957688.
Genomic context (GRCh38, chr1:94,031,046, plus strand): 5'-GTCCGCGCACCTGAAGAAGGTGTACTGCTGCCCATATATCCAGGGGTGAAGGGTCAAAGC[G>A]GGGTATTCGCCAAAAGGAGGGATAACAATAGAAAGCATCAGAGCCAAAAACACAAAGGTA-3'
Protein context (NP_000341.2, residues 1391-1411): SIVIPPFGEY[Pro1401=]ALTLHPWIYG